The following is an entry in ClinVar:

ClinVar aggregate classification (germline): Likely benign (1 of 4 stars; one submission).

Allele frequency attached by ClinVar (database versions not stated): 1000 Genomes Project 0.00060; 1000 Genomes Project 30x 0.00062; ExAC 0.00148; gnomAD 0.00153; TOPMed 0.00177; gnomAD exomes 0.00191; ESP Exome Variant Server 0.00208.
gnomAD v4.1: 3,023 of 1,613,806 alleles (0.19%); highest among the groups gnomAD compares: Non-Finnish European, 0.22%; no homozygotes.

Submission:

CeGaT Center for Human Genetics Tuebingen
Classification: Likely benign. Last evaluated: 2023-02-01. Review status: criteria provided, single submitter. Criteria: CeGaT Center For Human Genetics Tuebingen Variant Classification Criteria Version 2. Collection method: clinical testing. Allele origin: germline. Affected: yes. Observed: 1 variant allele.
Comment: ZBTB41: BP4, BP7

NM_194314.3(ZBTB41):c.2685C>T (p.Ser895=)

Gene: ZBTB41 (zinc finger and BTB domain containing 41; minus strand). Cytogenetic location: 1q31.3.
Variant type: single nucleotide variant.
Coding change: c.2685C>T on transcript NM_194314.3 (MANE Select); coding-DNA position 2685, C replaced by T.
Protein change: p.Ser895=; no amino-acid change (serine 895 retained).
Molecular consequence: synonymous variant. On other transcripts: non-coding transcript variant (1).
Genome position (GRCh38, 1-based): chr1:197,159,404, G>A on the plus strand (C>T on the coding strand, the complement: ZBTB41 is on the minus strand). VCF-style: chr1-197159404-G-A. GRCh37 (hg19) VCF-style: chr1-197128534-G-A.
Identifiers: ClinVar variation 2639709 (VCV002639709.24), dbSNP rs140474865, ClinGen allele CA1311022.
Genomic context (GRCh38, chr1:197,159,404, plus strand): 5'-AATGTTTAGATTTACTCATGAATGATGCTCATTCGTAGAAATATTTTGAACACCAGTAGT[G>A]CTATCAAGGCCCAGTAATGTTCCAAGATAAGATTGTTCTCTAGGATCTAGCATTTGTTCA-3'
Protein context (NP_919290.2, residues 885-905): SYLGTLLGLD[Ser895=]TTGVQNISTN